The following is an entry in ClinVar:

NM_005022.4(PFN1):c.318_321del (p.Asp107fs)

Gene: PFN1 (profilin 1; minus strand). Cytogenetic location: 17p13.2.
Variant type: Deletion.
Coding change: c.318_321del on transcript NM_005022.4 (MANE Select); coding-DNA positions 318 to 321, 4 bases deleted (TGAC; older notation c.318_321delTGAC).
Protein change: p.Asp107fs; shifts the reading frame from aspartic acid 107.
Molecular consequence: frameshift variant.
Genome position (GRCh38, 1-based): chr17:4,946,632-4,946,635, GTCA deleted on the plus strand (TGAC on the coding strand, the reverse complement: PFN1 is on the minus strand); deleting any 4 consecutive bases within chr17:4,946,632-4,946,638 gives the same sequence; the c. name uses the placement nearest the transcript's 3' end. VCF-style (leftmost placement, unchanged base first): chr17-4946631-TGTCA-T. GRCh37 (hg19) VCF-style: chr17-4849926-TGTCA-T.
Other names: c.318_321del, p.Asp107fs (NM_001375991.1); short protein forms D107fs.
Identifiers: ClinVar variation 4693237 (VCV004693237.1).

ClinVar aggregate classification (germline): Uncertain significance (1 of 4 stars; one submission).

Submission:

Labcorp Genetics (formerly Invitae), Labcorp
Classification: Uncertain significance. Last evaluated: 2025-12-02. Review status: criteria provided, single submitter. Criteria: Invitae Variant Classification Sherloc (09022015). Collection method: clinical testing. Allele origin: germline.
Comment: This sequence change creates a premature translational stop signal (p.Asp107Argfs*3) in the PFN1 gene. While this is not anticipated to result in nonsense mediated decay, it is expected to disrupt the last 34 amino acid(s) of the PFN1 protein. This variant is not present in population databases (gnomAD no frequency). This premature translational stop signal has been observed in individual(s) with Paget disease (PMID: 31991009, 32392277, 33599011). This variant is also known as c.938_941delTGAC D107Rfs*3. Algorithms developed to predict the effect of variants on gene product structure and function are not available or were not evaluated for this variant. Experimental studies have shown that this premature translational stop signal affects PFN1 function (PMID: 36599901). In summary, the available evidence is currently insufficient to determine the role of this variant in disease. Therefore, it has been classified as a Variant of Uncertain Significance.

Literature cited by the submitters: PubMed 31991009; PubMed 32392277; PubMed 33599011; PubMed 36599901.